The following is an entry in ClinVar:

ClinVar aggregate classification (germline): Uncertain significance (1 of 4 stars; one submission).

Allele frequency attached by ClinVar (database versions not stated): gnomAD exomes 0.00001; ExAC 0.00002; TOPMed 0.00002.
gnomAD v4.1: 10 of 1,613,424 alleles (0.00062%); highest among the groups gnomAD compares: African/African-American, 0.0013%; no homozygotes.

Submission:

Labcorp Genetics (formerly Invitae), Labcorp
Classification: Uncertain significance. Last evaluated: 2024-01-09. Review status: criteria provided, single submitter. Criteria: Invitae Variant Classification Sherloc (09022015). Collection method: clinical testing. Allele origin: germline.
Comment: This sequence change replaces arginine, which is basic and polar, with histidine, which is basic and polar, at codon 199 of the KLC2 protein (p.Arg199His). This variant is present in population databases (rs765912653, gnomAD 0.002%). This variant has not been reported in the literature in individuals affected with KLC2-related conditions. An algorithm developed to predict the effect of missense changes on protein structure and function (PolyPhen-2) suggests that this variant is likely to be disruptive. In summary, the available evidence is currently insufficient to determine the role of this variant in disease. Therefore, it has been classified as a Variant of Uncertain Significance.

NM_001318734.2(KLC2):c.596G>A (p.Arg199His)

Genes: KLC2 (kinesin light chain 2; plus strand), KLC2-AS1 (KLC2 antisense RNA 1; minus strand). Cytogenetic location: 11q13.2.
Variant type: single nucleotide variant.
Coding change: c.596G>A on transcript NM_001318734.2 (MANE Select); coding-DNA position 596, G replaced by A.
Protein change: p.Arg199His; replaces arginine 199 with histidine.
Molecular consequence: missense variant.
Genome position (GRCh38, 1-based): chr11:66,262,880, G>A. VCF-style: chr11-66262880-G-A. GRCh37 (hg19) VCF-style: chr11-66030351-G-A.
Other names: c.365G>A, p.Arg122His (NM_001134774.2); c.596G>A, p.Arg199His (NM_001134775.2, NM_001134776.2, NM_022822.3); short protein forms R199H, R122H.
Identifiers: ClinVar variation 2715914 (VCV002715914.3), dbSNP rs765912653, ClinGen allele CA6117145.
Genomic context (GRCh38, chr11:66,262,880, plus strand): 5'-GCCCAGGAGGAGGGGATGTGTCTGGTCAGCATGGGGGCTACGAGATCCCGGCCCGGCTCC[G>A]CACCCTGCACAACCTGGTGATCCAATACGCCTCACAGGGCCGCTACGAGGTAGCTGTGCC-3'
Protein context (NP_001305663.1, residues 189-209): HGGYEIPARL[Arg199His]TLHNLVIQYA